The following is an entry in ClinVar:

NM_000399.5(EGR2):c.272C>T (p.Thr91Ile)

Gene: EGR2 (early growth response 2; minus strand). Cytogenetic location: 10q21.3.
Variant type: single nucleotide variant.
Coding change: c.272C>T on transcript NM_000399.5 (MANE Select); coding-DNA position 272, C replaced by T.
Protein change: p.Thr91Ile; replaces threonine 91 with isoleucine.
Molecular consequence: missense variant.
Genome position (GRCh38, 1-based): chr10:62,814,366, G>A on the plus strand (C>T on the coding strand, the complement: EGR2 is on the minus strand). VCF-style: chr10-62814366-G-A. GRCh37 (hg19) VCF-style: chr10-64574126-G-A.
Other names: c.272C>T, p.Thr91Ile (NM_001136177.3, NM_001136178.2); c.122C>T, p.Thr41Ile (NM_001136179.3, NM_001321037.2); c.311C>T, p.Thr104Ile (NM_001410931.1); short protein forms T41I, T104I, T91I.
Identifiers: ClinVar variation 3654786 (VCV003654786.2).

ClinVar aggregate classification (germline): Uncertain significance (1 of 4 stars; one submission).

Conditions:
Charcot-Marie-Tooth disease, type I (CMT1). Also called: Charcot-Marie-Tooth disease type 1; Charcot-Marie-Tooth, Type 1. Identifiers: Orphanet 65753, MedGen C0751036, MONDO:0019011.

Submission:

Labcorp Genetics (formerly Invitae), Labcorp
Classification: Uncertain significance for Charcot-Marie-Tooth disease, type I. Last evaluated: 2024-05-27. Review status: criteria provided, single submitter. Criteria: Invitae Variant Classification Sherloc (09022015). Collection method: clinical testing. Allele origin: germline.
Comment: This sequence change replaces threonine, which is neutral and polar, with isoleucine, which is neutral and non-polar, at codon 91 of the EGR2 protein (p.Thr91Ile). This variant is not present in population databases (gnomAD no frequency). This variant has not been reported in the literature in individuals affected with EGR2-related conditions. Advanced modeling of protein sequence and biophysical properties (such as structural, functional, and spatial information, amino acid conservation, physicochemical variation, residue mobility, and thermodynamic stability) performed at Invitae indicates that this missense variant is expected to disrupt EGR2 protein function with a positive predictive value of 80%. In summary, the available evidence is currently insufficient to determine the role of this variant in disease. Therefore, it has been classified as a Variant of Uncertain Significance.